The following is an entry in ClinVar:

NC_000017.10:g.(?_59861621)_(59938900_?)dup

Gene: BRIP1 (BRCA1 interacting DNA helicase 1; minus strand). Cytogenetic location: 17q23.2.
Variant type: Duplication.
Identifiers: ClinVar variation 1412553 (VCV001412553.6).

ClinVar aggregate classification (germline): Uncertain significance (1 of 4 stars; one submission).

Conditions:
Familial cancer of breast. Also called: hereditary breast carcinoma; BREAST CANCER, FAMILIAL; Hereditary breast cancer. Identifiers: Orphanet 227535, MedGen C0346153, MONDO:0016419, OMIM 114480. Disease mechanism: loss of function.
Fanconi anemia complementation group J. Also called: BRIP1-Related Fanconi Anemia. Identifiers: Orphanet 84, MedGen C1836860, MONDO:0012187, OMIM 609054.

Submission:

Labcorp Genetics (formerly Invitae), Labcorp
Classification: Uncertain significance for Familial cancer of breast; Fanconi anemia complementation group J. Last evaluated: 2021-08-04. Review status: criteria provided, single submitter. Criteria: Invitae Variant Classification Sherloc (09022015). Collection method: clinical testing. Allele origin: germline.
Comment: This variant results in a copy number gain of the genomic region encompassing exon(s) 2-11 of the BRIP1 gene. This region includes the initiator codon of the gene. The 5' end of this event is unknown as it extends beyond the assayed region for this gene and therefore may encompass additional genes. The 3' boundary is likely confined to intron 11 of the BRIP1 gene. As the precise location of this event is unknown, it may be in tandem or it may be located elsewhere in the genome. This variant has not been reported in the literature in individuals affected with BRIP1-related conditions. Experimental studies and prediction algorithms are not available or were not evaluated, and the functional significance of this variant is currently unknown. In summary, the available evidence is currently insufficient to determine the role of this variant in disease. Therefore, it has been classified as a Variant of Uncertain Significance.